The following is an entry in ClinVar:

ClinVar aggregate classification (germline): Uncertain significance (1 of 4 stars; one submission).

Conditions:
Agammaglobulinemia 4, autosomal recessive (AGM4). Also called: B cell linker protein deficiency; AGAMMAGLOBULINEMIA, AUTOSOMAL RECESSIVE, DUE TO BLNK DEFECT. Identifiers: MedGen C3150752, MONDO:0013289, OMIM 613502.

gnomAD v4.1: 1 of 1,614,216 alleles (0.000062%); highest among the groups gnomAD compares: Admixed American, 0.0017%; no homozygotes.

Submission:

Labcorp Genetics (formerly Invitae), Labcorp
Classification: Uncertain significance for Agammaglobulinemia 4, autosomal recessive. Last evaluated: 2022-01-16. Review status: criteria provided, single submitter. Criteria: Invitae Variant Classification Sherloc (09022015). Collection method: clinical testing. Allele origin: germline.
Comment: This sequence change replaces alanine, which is neutral and non-polar, with threonine, which is neutral and polar, at codon 240 of the BLNK protein (p.Ala240Thr). This variant is present in population databases (no rsID available, gnomAD 0.003%). In summary, the available evidence is currently insufficient to determine the role of this variant in disease. Therefore, it has been classified as a Variant of Uncertain Significance. Algorithms developed to predict the effect of missense changes on protein structure and function (SIFT, PolyPhen-2, Align-GVGD) all suggest that this variant is likely to be tolerated. This variant has not been reported in the literature in individuals affected with BLNK-related conditions.

NM_013314.4(BLNK):c.718G>A (p.Ala240Thr)

Gene: BLNK (B cell linker; minus strand). Cytogenetic location: 10q24.1.
Variant type: single nucleotide variant.
Coding change: c.718G>A on transcript NM_013314.4 (MANE Select); coding-DNA position 718, G replaced by A.
Protein change: p.Ala240Thr; replaces alanine 240 with threonine.
Molecular consequence: missense variant. On other transcripts: non-coding transcript variant (3).
Genome position (GRCh38, 1-based): chr10:96,209,866, C>T on the plus strand (G>A on the coding strand, the complement: BLNK is on the minus strand). VCF-style: chr10-96209866-C-T. GRCh37 (hg19) VCF-style: chr10-97969622-C-T.
Other names: c.649G>A, p.Ala217Thr (NM_001114094.2, NM_001258441.2); c.718G>A, p.Ala240Thr (NM_001258440.2); c.403G>A, p.Ala135Thr (NM_001258442.2); short protein forms A217T, A240T, A135T.
Identifiers: ClinVar variation 1941462 (VCV001941462.3), dbSNP rs782562224, ClinGen allele CA377721947.